The following is an entry in ClinVar:

ClinVar aggregate classification (germline): Likely benign (0 of 4 stars; one submission).

Conditions:
FSIP2-related disorder. Also called: FSIP2-related condition.

Allele frequency attached by ClinVar (database versions not stated): ExAC 0.00022; 1000 Genomes Project 30x 0.00109; gnomAD 0.00126; TOPMed 0.00128; 1000 Genomes Project 0.00140.

Submission:

PreventionGenetics, part of Exact Sciences
Classification: Likely benign for FSIP2-related condition. Last evaluated: 2019-09-30. Review status: no assertion criteria provided. Collection method: clinical testing. Allele origin: germline.
Comment: This variant is classified as likely benign based on ACMG/AMP sequence variant interpretation guidelines (Richards et al. 2015 PMID: 25741868, with internal and published modifications).

NM_173651.4(FSIP2):c.11745C>T (p.Ser3915=)

Gene: FSIP2 (fibrous sheath interacting protein 2; plus strand). Cytogenetic location: 2q32.1.
Variant type: single nucleotide variant.
Coding change: c.11745C>T on transcript NM_173651.4 (MANE Select); coding-DNA position 11745, C replaced by T.
Protein change: p.Ser3915=; no amino-acid change (serine 3915 retained).
Molecular consequence: synonymous variant.
Genome position (GRCh38, 1-based): chr2:185,801,051, C>T. VCF-style: chr2-185801051-C-T. GRCh37 (hg19) VCF-style: chr2-186665778-C-T.
Identifiers: ClinVar variation 3040752 (VCV003040752.2), dbSNP rs150592318, ClinGen allele CA2016971.